The following is an entry in ClinVar:

NM_024642.5(GALNT12):c.1631C>T (p.Ser544Phe)

Gene: GALNT12 (polypeptide N-acetylgalactosaminyltransferase 12; plus strand). Cytogenetic location: 9q22.33.
Variant type: single nucleotide variant.
Coding change: c.1631C>T on transcript NM_024642.5 (MANE Select); coding-DNA position 1631, C replaced by T.
Protein change: p.Ser544Phe; replaces serine 544 with phenylalanine.
Molecular consequence: missense variant.
Genome position (GRCh38, 1-based): chr9:98,848,977, C>T. VCF-style: chr9-98848977-C-T. GRCh37 (hg19) VCF-style: chr9-101611259-C-T.
Other names: short protein forms S544F.
Identifiers: ClinVar variation 1776839 (VCV001776839.6), dbSNP rs1836484552, ClinGen allele CA374222808.

ClinVar aggregate classification (germline): Uncertain significance. Review status: criteria provided, multiple submitters, no conflicts (2 of 4 stars). 2 submissions from 2 submitters: Uncertain significance (2). Last evaluated 2025-07-10.

Allele frequency attached by ClinVar (database versions not stated): gnomAD exomes below 0.00001.

Submissions (2):

Ambry Genetics
Classification: Uncertain significance. Last evaluated: 2025-07-10. Review status: criteria provided, single submitter. Criteria: Ambry Variant Classification Scheme 2023. Collection method: clinical testing. Allele origin: germline.
Comment: The p.S544F variant (also known as c.1631C>T), located in coding exon 10 of the GALNT12 gene, results from a C to T substitution at nucleotide position 1631. The serine at codon 544 is replaced by phenylalanine, an amino acid with highly dissimilar properties. This amino acid position is conserved. In addition, the in silico prediction for this alteration is inconclusive. Since supporting evidence is limited at this time, the clinical significance of this alteration remains unclear.

Labcorp Genetics (formerly Invitae), Labcorp
Classification: Uncertain significance. Last evaluated: 2023-08-16. Review status: criteria provided, single submitter. Criteria: Invitae Variant Classification Sherloc (09022015). Collection method: clinical testing. Allele origin: germline.
Comment: In summary, the available evidence is currently insufficient to determine the role of this variant in disease. Therefore, it has been classified as a Variant of Uncertain Significance. Advanced modeling of protein sequence and biophysical properties (such as structural, functional, and spatial information, amino acid conservation, physicochemical variation, residue mobility, and thermodynamic stability) performed at Invitae indicates that this missense variant is not expected to disrupt GALNT12 protein function. ClinVar contains an entry for this variant (Variation ID: 1776839). This variant has not been reported in the literature in individuals affected with GALNT12-related conditions. This variant is not present in population databases (gnomAD no frequency). This sequence change replaces serine, which is neutral and polar, with phenylalanine, which is neutral and non-polar, at codon 544 of the GALNT12 protein (p.Ser544Phe).